The following is an entry in ClinVar:

ClinVar aggregate classification (germline): Uncertain significance (1 of 4 stars; one submission).

Submission:

Labcorp Genetics (formerly Invitae), Labcorp
Classification: Uncertain significance. Last evaluated: 2020-08-24. Review status: criteria provided, single submitter. Criteria: Invitae Variant Classification Sherloc (09022015). Collection method: clinical testing. Allele origin: germline.
Comment: This variant is a gross deletion of the genomic region encompassing exon(s) 21-23 of the EMC1 gene. The 5' boundary is likely confined to intron 20. The 3' end of this event is unknown as it extends through the termination codon beyond the assayed region for this gene and may encompass additional genes. While this deletion is not anticipated to result in nonsense mediated decay, it is expected to create a truncated protein product or disrupt mRNA translation. This variant has not been reported in the literature in individuals with EMC1-related conditions. Experimental studies and prediction algorithms are not available or were not evaluated, and the functional significance of this variant is currently unknown. In summary, the available evidence is currently insufficient to determine the role of this variant in disease. Therefore, it has been classified as a Variant of Uncertain Significance.

NC_000001.10:g.(?_19433063)_(19547342_?)del

Genes: EMC1 (ER membrane protein complex subunit 1; minus strand), UBR4 (ubiquitin protein ligase E3 component n-recognin 4; minus strand). Cytogenetic location: 1p36.13.
Variant type: Deletion.
Identifiers: ClinVar variation 1023600 (VCV001023600.1).